The following is an entry in ClinVar:

ClinVar aggregate classification (germline): Uncertain significance. Review status: criteria provided, multiple submitters, no conflicts (2 of 4 stars). 2 submissions from 2 submitters: Uncertain significance (2). Last evaluated 2024-01-22.

Conditions:
Fanconi anemia (FA). Also called: Fanconi's anemia. Identifiers: Orphanet 84, MedGen C0015625, MeSH D005199, MONDO:0019391.

Allele frequency attached by ClinVar (database versions not stated): gnomAD exomes below 0.00001 and 0.00001; TOPMed below 0.00001; gnomAD 0.00001; ExAC 0.00002; 1000 Genomes Project 30x 0.00016; 1000 Genomes Project 0.00020.
gnomAD v4.1: 8 of 1,613,612 alleles (0.0005%); highest among the groups gnomAD compares: Middle Eastern, 0.05%; no homozygotes.

Submissions (2):

GeneDx
Classification: Uncertain significance. Last evaluated: 2024-01-22. Review status: criteria provided, single submitter. Criteria: GeneDx Variant Classification Process June 2021. Collection method: clinical testing. Allele origin: germline. Affected: yes.
Comment: Not observed at significant frequency in large population cohorts (gnomAD); In silico analysis supports that this missense variant does not alter protein structure/function; Has not been previously published as pathogenic or benign to our knowledge

Labcorp Genetics (formerly Invitae), Labcorp
Classification: Uncertain significance for Fanconi anemia. Last evaluated: 2022-12-17. Review status: criteria provided, single submitter. Criteria: Invitae Variant Classification Sherloc (09022015). Collection method: clinical testing. Allele origin: germline.
Comment: In summary, the available evidence is currently insufficient to determine the role of this variant in disease. Therefore, it has been classified as a Variant of Uncertain Significance. Algorithms developed to predict the effect of missense changes on protein structure and function output the following: SIFT: "Tolerated"; PolyPhen-2: "Benign"; Align-GVGD: "Class C0". The arginine amino acid residue is found in multiple mammalian species, which suggests that this missense change does not adversely affect protein function. ClinVar contains an entry for this variant (Variation ID: 1461841). This variant has not been reported in the literature in individuals affected with FANCM-related conditions. This variant is present in population databases (rs541543025, gnomAD 0.003%). This sequence change replaces glutamine, which is neutral and polar, with arginine, which is basic and polar, at codon 498 of the FANCM protein (p.Gln498Arg).

NM_020937.4(FANCM):c.1493A>G (p.Gln498Arg)

Gene: FANCM (FA complementation group M; plus strand). Cytogenetic location: 14q21.2.
Variant type: single nucleotide variant.
Coding change: c.1493A>G on transcript NM_020937.4 (MANE Select); coding-DNA position 1493, A replaced by G.
Protein change: p.Gln498Arg; replaces glutamine 498 with arginine.
Molecular consequence: missense variant.
Genome position (GRCh38, 1-based): chr14:45,159,192, A>G. VCF-style: chr14-45159192-A-G. GRCh37 (hg19) VCF-style: chr14-45628395-A-G.
Other names: c.1415A>G, p.Gln472Arg (NM_001308133.2); c.1493A>G, p.Gln498Arg (NM_001308134.2); c.1493A>G (NM_020937.2); short protein forms Q472R, Q498R.
Identifiers: ClinVar variation 1461841 (VCV001461841.5), dbSNP rs541543025, ClinGen allele CA7169065.